The following is an entry in ClinVar:

ClinVar aggregate classification (germline): Likely benign (0 of 4 stars; one submission).

Conditions:
NRP1-related disorder. Also called: NRP1-related condition.

Allele frequency attached by ClinVar (database versions not stated): TOPMed 0.00006; gnomAD 0.00010; gnomAD exomes 0.00021; ExAC 0.00025; 1000 Genomes Project 30x 0.00047; 1000 Genomes Project 0.00060.
gnomAD v4.1: 308 of 1,613,060 alleles (0.019%); highest among the groups gnomAD compares: East Asian, 0.68%; 1 homozygote.

Submission:

PreventionGenetics, part of Exact Sciences
Classification: Likely benign for NRP1-related condition. Last evaluated: 2021-08-09. Review status: no assertion criteria provided. Collection method: clinical testing. Allele origin: germline.
Comment: This variant is classified as likely benign based on ACMG/AMP sequence variant interpretation guidelines (Richards et al. 2015 PMID: 25741868, with internal and published modifications).

NM_003873.7(NRP1):c.*6G>A

Gene: NRP1 (neuropilin 1; minus strand). Cytogenetic location: 10p11.22.
Variant type: single nucleotide variant.
Coding change: c.*6G>A on transcript NM_003873.7 (MANE Select); 6 bases downstream of the stop codon, G replaced by A.
Molecular consequence: 3 prime UTR variant. On other transcripts: non-coding transcript variant (1).
Genome position (GRCh38, 1-based): chr10:33,180,070, C>T on the plus strand (G>A on the coding strand, the complement: NRP1 is on the minus strand). VCF-style: chr10-33180070-C-T. GRCh37 (hg19) VCF-style: chr10-33468998-C-T.
Other names: c.*6G>A (NM_001244972.2, NM_001244973.2, NM_001330068.2).
Identifiers: ClinVar variation 3044311 (VCV003044311.2), dbSNP rs187774080, ClinGen allele CA5466096.